The following is an entry in ClinVar:

NM_002206.3(ITGA7):c.2003+97G>A

Gene: ITGA7 (integrin subunit alpha 7; minus strand). Cytogenetic location: 12q13.2.
Variant type: single nucleotide variant.
Coding change: c.2003+97G>A on transcript NM_002206.3 (MANE Select); 97 bases into the intron after coding-DNA position 2003, G replaced by A.
Molecular consequence: intron variant.
Genome position (GRCh38, 1-based): chr12:55,695,425, C>T on the plus strand (G>A on the coding strand, the complement: ITGA7 is on the minus strand). VCF-style: chr12-55695425-C-T. GRCh37 (hg19) VCF-style: chr12-56089209-C-T.
Other names: c.1724+97G>A (NM_001144997.2); c.1676+97G>A (NM_001367993.1); c.1664+97G>A (NM_001414035.1); c.1820+97G>A (NM_001414033.1); c.659+97G>A (NM_001367994.1); c.1883+97G>A (NM_001414032.1); c.1916+97G>A (NM_001414031.1); c.1985+97G>A (NM_001374465.1); and 5 more.
Identifiers: ClinVar variation 682022 (VCV000682022.2), dbSNP rs3817532, ClinGen allele CA13590058.
Genomic context (GRCh38, chr12:55,695,425, plus strand): 5'-CTCATCTCAGTCTCCAAGTCCATCGGCAGGTCCTCTTCCACCTTCTGCCTTTTCTGCAGG[C>T]TCAGCCCTTCCCTCTGACTGGTCCTCCTGAGAGGGCTTTCTCTCAATCCTTGAACTCTTG-3'

ClinVar aggregate classification (germline): Benign. Review status: criteria provided, multiple submitters, no conflicts (2 of 4 stars). 2 submissions from 2 submitters: Benign (2). Last evaluated 2018-06-14.

Allele frequency attached by ClinVar (database versions not stated): gnomAD 0.49069 and 0.50507; TOPMed 0.49168; gnomAD exomes 0.53908; 1000 Genomes Project 30x 0.59291; 1000 Genomes Project 0.60563.
gnomAD v4.1: 475,571 of 892,538 alleles (53%); highest among the groups gnomAD compares: East Asian, 93%; 133,649 homozygotes.

Submissions (2):

GeneDx
Classification: Benign. Last evaluated: 2018-06-14. Review status: criteria provided, single submitter. Criteria: GeneDx Variant Classification (06012015). Collection method: clinical testing. Allele origin: germline. Affected: yes.
Comment: This variant is considered likely benign or benign based on one or more of the following criteria: it is a conservative change, it occurs at a poorly conserved position in the protein, it is predicted to be benign by multiple in silico algorithms, and/or has population frequency not consistent with disease.

Breakthrough Genomics
Classification: Benign. Review status: criteria provided, single submitter. Criteria: ACMG Guidelines, 2015. Collection method: not provided. Allele origin: germline. Inheritance: Autosomal recessive inheritance. Affected: yes.